The following is an entry in ClinVar:

NM_006231.4(POLE):c.769A>G (p.Ile257Val)

Gene: POLE (DNA polymerase epsilon, catalytic subunit; minus strand). Cytogenetic location: 12q24.33.
Variant type: single nucleotide variant.
Coding change: c.769A>G on transcript NM_006231.4 (MANE Select); coding-DNA position 769, A replaced by G.
Protein change: p.Ile257Val; replaces isoleucine 257 with valine.
Molecular consequence: missense variant.
Genome position (GRCh38, 1-based): chr12:132,677,395, T>C on the plus strand (A>G on the coding strand, the complement: POLE is on the minus strand). VCF-style: chr12-132677395-T-C. GRCh37 (hg19) VCF-style: chr12-133253981-T-C.
Other names: short protein forms I257V.
Identifiers: ClinVar variation 641078 (VCV000641078.10), dbSNP rs1466704603, ClinGen allele CA387364461.

ClinVar aggregate classification (germline): Uncertain significance. Review status: criteria provided, multiple submitters, no conflicts (2 of 4 stars). 3 submissions from 3 submitters: Uncertain significance (3). Last evaluated 2024-09-17.

Allele frequency attached by ClinVar (database versions not stated): gnomAD exomes below 0.00001; TOPMed below 0.00001.

Submissions (3):

Labcorp Genetics (formerly Invitae), Labcorp
Classification: Uncertain significance. Last evaluated: 2024-09-17. Review status: criteria provided, single submitter. Criteria: Invitae Variant Classification Sherloc (09022015). Collection method: clinical testing. Allele origin: germline.
Comment: This sequence change replaces isoleucine, which is neutral and non-polar, with valine, which is neutral and non-polar, at codon 257 of the POLE protein (p.Ile257Val). This variant is present in population databases (no rsID available, gnomAD 0.0009%). This variant has not been reported in the literature in individuals affected with POLE-related conditions. ClinVar contains an entry for this variant (Variation ID: 641078). Invitae Evidence Modeling of protein sequence and biophysical properties (such as structural, functional, and spatial information, amino acid conservation, physicochemical variation, residue mobility, and thermodynamic stability) indicates that this missense variant is not expected to disrupt POLE protein function with a negative predictive value of 80%. In summary, the available evidence is currently insufficient to determine the role of this variant in disease. Therefore, it has been classified as a Variant of Uncertain Significance.

Blueprint Genetics
Classification: Uncertain significance. Last evaluated: 2022-06-22. Review status: criteria provided, single submitter. Criteria: ACMG Guidelines, 2015. Collection method: clinical testing. Allele origin: germline.

Mendelics
Classification: Uncertain significance. Last evaluated: 2022-05-04. Review status: criteria provided, single submitter. Criteria: Mendelics Assertion Criteria 2019. Collection method: clinical testing. Allele origin: germline.